The following is an entry in ClinVar:

NM_002972.4(SBF1):c.3769G>A (p.Asp1257Asn)

Gene: SBF1 (SET binding factor 1; minus strand). Cytogenetic location: 22q13.33.
Variant type: single nucleotide variant.
Coding change: c.3769G>A on transcript NM_002972.4 (MANE Select); coding-DNA position 3769, G replaced by A.
Protein change: p.Asp1257Asn; replaces aspartic acid 1257 with asparagine.
Molecular consequence: missense variant.
Genome position (GRCh38, 1-based): chr22:50,459,312, C>T on the plus strand (G>A on the coding strand, the complement: SBF1 is on the minus strand). VCF-style: chr22-50459312-C-T. GRCh37 (hg19) VCF-style: chr22-50897741-C-T.
Other names: c.3769G>A (NM_002972.2, NM_002972.3); c.3772G>A, p.Asp1258Asn (NM_001365819.1, NM_001410794.1); c.3769G>A, p.Asp1257Asn (NM_001410795.1, NM_197971.1); short protein forms D1258N, D1257N.
Identifiers: ClinVar variation 2192630 (VCV002192630.6), dbSNP rs368062270, ClinGen allele CA10316575.
Genomic context (GRCh38, chr22:50,459,312, plus strand): 5'-CACCGTGACTGCCCATGTGGGCTGAGGAGAAGCCGCTAAGCGTGTTGCGTCCCGACGCGT[C>T]GGCGTAGCGGGGCATGGAGCTGACCACAGCCTGCAGGTACTTCTCCTGCTCCAGGCTACT-3'
Protein context (NP_002963.2, residues 1247-1267): AVVSSMPRYA[Asp1257Asn]ASGRNTLSGF

ClinVar aggregate classification (germline): Conflicting classifications of pathogenicity. Review status: criteria provided, conflicting classifications (1 of 4 stars). 3 submissions from 3 submitters: Likely pathogenic (1); Uncertain significance (2). Last evaluated 2025-08-18.

Conditions:
Tip-toe gait. Also called: Toe walking. Identifiers: MedGen C0427144, HP:0030051.

Allele frequency attached by ClinVar (database versions not stated): gnomAD exomes 0.00002; ExAC 0.00006; ESP Exome Variant Server 0.00008; 1000 Genomes Project 30x 0.00016; 1000 Genomes Project 0.00020.
gnomAD v4.1: 39 of 1,612,318 alleles (0.0024%); highest among the groups gnomAD compares: East Asian, 0.029%; no homozygotes.

Submissions (3):

Labcorp Genetics (formerly Invitae), Labcorp
Classification: Uncertain significance. Last evaluated: 2025-08-18. Review status: criteria provided, single submitter. Criteria: Invitae Variant Classification Sherloc (09022015). Collection method: clinical testing. Allele origin: germline.
Comment: This sequence change replaces aspartic acid, which is acidic and polar, with asparagine, which is neutral and polar, at codon 1257 of the SBF1 protein (p.Asp1257Asn). This variant is present in population databases (rs368062270, gnomAD 0.05%). This variant has not been reported in the literature in individuals affected with SBF1-related conditions. ClinVar contains an entry for this variant (Variation ID: 2192630). Invitae Evidence Modeling of protein sequence and biophysical properties (such as structural, functional, and spatial information, amino acid conservation, physicochemical variation, residue mobility, and thermodynamic stability) indicates that this missense variant is not expected to disrupt SBF1 protein function with a negative predictive value of 80%. In summary, the available evidence is currently insufficient to determine the role of this variant in disease. Therefore, it has been classified as a Variant of Uncertain Significance.

Ambry Genetics
Classification: Uncertain significance. Last evaluated: 2024-02-17. Review status: criteria provided, single submitter. Criteria: Ambry Variant Classification Scheme 2023. Collection method: clinical testing. Allele origin: germline.

Practice for Gait Abnormalities, David Pomarino, Competency Network Toe Walking C/o Practice Pomarino
Classification: Likely pathogenic for Tip-toe gait. Last evaluated: 2024-02-02. Review status: criteria provided, single submitter. Criteria: Pomarino et al. (Glob Med Genet. 2026). Collection method: clinical testing. Allele origin: germline. Affected: yes.